The following is an entry in ClinVar:

NM_001852.4(COL9A2):c.452C>G (p.Pro151Arg)

Gene: COL9A2 (collagen type IX alpha 2 chain; minus strand). Cytogenetic location: 1p34.2.
Variant type: single nucleotide variant.
Coding change: c.452C>G on transcript NM_001852.4 (MANE Select); coding-DNA position 452, C replaced by G.
Protein change: p.Pro151Arg; replaces proline 151 with arginine.
Molecular consequence: missense variant.
Genome position (GRCh38, 1-based): chr1:40,311,681, G>C on the plus strand (C>G on the coding strand, the complement: COL9A2 is on the minus strand). VCF-style: chr1-40311681-G-C. GRCh37 (hg19) VCF-style: chr1-40777353-G-C.
Other names: short protein forms P151R.
Identifiers: ClinVar variation 3684525 (VCV003684525.2).

ClinVar aggregate classification (germline): Uncertain significance (1 of 4 stars; one submission).

gnomAD v4.1: 5 of 1,613,882 alleles (0.00031%); highest among the groups gnomAD compares: Non-Finnish European, 0.00034%; no homozygotes.

Submission:

Labcorp Genetics (formerly Invitae), Labcorp
Classification: Uncertain significance. Last evaluated: 2025-01-29. Review status: criteria provided, single submitter. Criteria: Invitae Variant Classification Sherloc (09022015). Collection method: clinical testing. Allele origin: germline.
Comment: This sequence change replaces proline, which is neutral and non-polar, with arginine, which is basic and polar, at codon 151 of the COL9A2 protein (p.Pro151Arg). This variant is not present in population databases (gnomAD no frequency). This variant has not been reported in the literature in individuals affected with COL9A2-related conditions. Invitae Evidence Modeling of protein sequence and biophysical properties (such as structural, functional, and spatial information, amino acid conservation, physicochemical variation, residue mobility, and thermodynamic stability) indicates that this missense variant is not expected to disrupt COL9A2 protein function with a negative predictive value of 95%. In summary, the available evidence is currently insufficient to determine the role of this variant in disease. Therefore, it has been classified as a Variant of Uncertain Significance.